The following is an entry in ClinVar:

NM_139057.4(ADAMTS17):c.506C>A (p.Ser169Tyr)

Gene: ADAMTS17 (ADAM metallopeptidase with thrombospondin type 1 motif 17; minus strand). Cytogenetic location: 15q26.3.
Variant type: single nucleotide variant.
Coding change: c.506C>A on transcript NM_139057.4 (MANE Select); coding-DNA position 506, C replaced by A.
Protein change: p.Ser169Tyr; replaces serine 169 with tyrosine.
Molecular consequence: missense variant.
Genome position (GRCh38, 1-based): chr15:100,330,999, G>T on the plus strand (C>A on the coding strand, the complement: ADAMTS17 is on the minus strand). VCF-style: chr15-100330999-G-T. GRCh37 (hg19) VCF-style: chr15-100871204-G-T.
Other names: short protein forms S169Y.
Identifiers: ClinVar variation 3722409 (VCV003722409.2).

ClinVar aggregate classification (germline): Uncertain significance (1 of 4 stars; one submission).

Submission:

Labcorp Genetics (formerly Invitae), Labcorp
Classification: Uncertain significance. Last evaluated: 2024-10-07. Review status: criteria provided, single submitter. Criteria: Invitae Variant Classification Sherloc (09022015). Collection method: clinical testing. Allele origin: germline.
Comment: This sequence change replaces serine, which is neutral and polar, with tyrosine, which is neutral and polar, at codon 169 of the ADAMTS17 protein (p.Ser169Tyr). This variant is not present in population databases (gnomAD no frequency). This variant has not been reported in the literature in individuals affected with ADAMTS17-related conditions. An algorithm developed to predict the effect of missense changes on protein structure and function (PolyPhen-2) suggests that this variant is likely to be disruptive. In summary, the available evidence is currently insufficient to determine the role of this variant in disease. Therefore, it has been classified as a Variant of Uncertain Significance.